The following is an entry in ClinVar:

NM_206937.2(LIG4):c.2427dup (p.Leu810fs)

Gene: LIG4 (DNA ligase 4; minus strand). Cytogenetic location: 13q33.3.
Variant type: Duplication.
Coding change: c.2427dup on transcript NM_206937.2 (MANE Select); coding-DNA position 2427, one base duplicated (T; older notation c.2427dupT).
Protein change: p.Leu810fs; shifts the reading frame from leucine 810.
Molecular consequence: frameshift variant.
Genome position (GRCh38, 1-based): chr13:108,208,842, A duplicated on the plus strand (T on the coding strand, the reverse complement: LIG4 is on the minus strand). VCF-style (leftmost placement, unchanged base first): chr13-108208841-G-GA. GRCh37 (hg19) VCF-style: chr13-108861189-G-GA.
Other names: c.2427dup, p.Leu810fs (NM_001098268.2, NM_001352598.2, NM_001352599.2 and 6 more transcripts); c.2226dup, p.Leu743fs (NM_001330595.2); c.2463dup, p.Leu822fs (NM_001352604.2); short protein forms L810fs, L743fs, L822fs.
Identifiers: ClinVar variation 2849907 (VCV002849907.3), dbSNP rs2501578919, ClinGen allele CA2739277735.

ClinVar aggregate classification (germline): Pathogenic (1 of 4 stars; one submission).

Conditions:
DNA ligase IV deficiency. Identifiers: Orphanet 99812, MedGen C1847827, MONDO:0011686, OMIM 606593.

Submission:

Labcorp Genetics (formerly Invitae), Labcorp
Classification: Pathogenic for DNA ligase IV deficiency. Last evaluated: 2023-03-26. Review status: criteria provided, single submitter. Criteria: Invitae Variant Classification Sherloc (09022015). Collection method: clinical testing. Allele origin: germline.
Comment: This variant has not been reported in the literature in individuals affected with LIG4-related conditions. This sequence change creates a premature translational stop signal (p.Leu810Serfs*18) in the LIG4 gene. While this is not anticipated to result in nonsense mediated decay, it is expected to disrupt the last 102 amino acid(s) of the LIG4 protein. This variant is not present in population databases (gnomAD no frequency). This variant disrupts a region of the LIG4 protein in which other variant(s) (p.Arg814*) have been determined to be pathogenic (PMID: 11779494, 16088910, 24123394, 25239263, 27063650, 27612988). This suggests that this is a clinically significant region of the protein, and that variants that disrupt it are likely to be disease-causing. For these reasons, this variant has been classified as Pathogenic.

Literature cited by the submitters: PubMed 11779494; PubMed 16088910; PubMed 24123394; PubMed 25239263; PubMed 27063650; PubMed 27612988.